The following is an entry in ClinVar:

ClinVar aggregate classification (germline): Pathogenic/Likely pathogenic. Review status: criteria provided, multiple submitters, no conflicts (2 of 4 stars). 3 submissions from 3 submitters: Pathogenic (1); Likely pathogenic (2). Last evaluated 2024-04-02.

Conditions:
Vitamin D-dependent rickets, type 1A. Also called: VITAMIN D HYDROXYLATION-DEFICIENT RICKETS, TYPE 1A; PSEUDOVITAMIN D-DEFICIENCY RICKETS, TYPE IA; PDDR IA. Identifiers: MedGen CN283242, MONDO:0020723, OMIM 264700.

Submissions (3):

Fulgent Genetics
Classification: Likely pathogenic for Vitamin D-dependent rickets, type 1A. Last evaluated: 2024-04-02. Review status: criteria provided, single submitter. Criteria: ACMG Guidelines, 2015. Collection method: clinical testing. Allele origin: germline.

Women's Health and Genetics/Laboratory Corporation of America, LabCorp
Classification: Pathogenic for Vitamin D-dependent rickets, type 1A. Last evaluated: 2024-04-01. Review status: criteria provided, single submitter. Criteria: LabCorp Variant Classification Summary - May 2015. Collection method: clinical testing. Allele origin: germline.
Comment: Variant summary: CYP27B1 c.1376G>T (p.Arg459Leu) results in a non-conservative amino acid change in the encoded protein sequence. Four of five in-silico tools predict a damaging effect of the variant on protein function. The variant allele was found at a frequency of 4e-06 in 251430 control chromosomes. c.1376G>T has been reported in the literature in at least three compound heterozygous individuals affected with Vitamin D-dependent rickets (e.g., Zalewski_2016, Chi_2018). These data indicate that the variant may be associated with disease. At least one publication reports experimental evidence evaluating an impact on protein function, demonstrating that the variant results in dramatically diminished CYP27B1 activity (Zalewski_2016). Additionally, other variants at the Arg458 residue have been reported as associated with disease (p.Arg459Cys), suggesting that this codon is functionally important. The following publications have been ascertained in the context of this evaluation (PMID: 30382318, 27399352). No submitters have cited clinical-significance assessments for this variant to ClinVar. Based on the evidence outlined above, the variant was classified as pathogenic.

Labcorp Genetics (formerly Invitae), Labcorp
Classification: Likely pathogenic. Last evaluated: 2024-02-16. Review status: criteria provided, single submitter. Criteria: Invitae Variant Classification Sherloc (09022015). Collection method: clinical testing. Allele origin: germline.
Comment: This sequence change replaces arginine, which is basic and polar, with leucine, which is neutral and non-polar, at codon 459 of the CYP27B1 protein (p.Arg459Leu). This variant is present in population databases (no rsID available, gnomAD 0.0009%). This missense change has been observed in individuals with vitamin D-dependent rickets type 1 (PMID: 27399352, 30382318). Advanced modeling of protein sequence and biophysical properties (such as structural, functional, and spatial information, amino acid conservation, physicochemical variation, residue mobility, and thermodynamic stability) performed at Invitae indicates that this missense variant is expected to disrupt CYP27B1 protein function with a positive predictive value of 80%. Experimental studies have shown that this missense change affects CYP27B1 function (PMID: 27399352). This variant disrupts the p.Arg459 amino acid residue in CYP27B1. Other variant(s) that disrupt this residue have been determined to be pathogenic (PMID: 22588163, 24197768). This suggests that this residue is clinically significant, and that variants that disrupt this residue are likely to be disease-causing. In summary, the currently available evidence indicates that the variant is pathogenic, but additional data are needed to prove that conclusively. Therefore, this variant has been classified as Likely Pathogenic.

Literature cited by the submitters: PubMed 30382318 (cited by Women's Health and Genetics/Laboratory Corporation of America, LabCorp and Labcorp Genetics (formerly Invitae), Labcorp); PubMed 27399352 (cited by Women's Health and Genetics/Laboratory Corporation of America, LabCorp and Labcorp Genetics (formerly Invitae), Labcorp); PubMed 22588163 (cited by Labcorp Genetics (formerly Invitae), Labcorp); PubMed 24197768 (cited by Labcorp Genetics (formerly Invitae), Labcorp).

NM_000785.4(CYP27B1):c.1376G>T (p.Arg459Leu)

Gene: CYP27B1 (cytochrome P450 family 27 subfamily B member 1; minus strand). Cytogenetic location: 12q14.1.
Variant type: single nucleotide variant.
Coding change: c.1376G>T on transcript NM_000785.4 (MANE Select); coding-DNA position 1376, G replaced by T.
Protein change: p.Arg459Leu; replaces arginine 459 with leucine.
Molecular consequence: missense variant.
Genome position (GRCh38, 1-based): chr12:57,763,648, C>A on the plus strand (G>T on the coding strand, the complement: CYP27B1 is on the minus strand). VCF-style: chr12-57763648-C-A. GRCh37 (hg19) VCF-style: chr12-58157431-C-A.
Other names: short protein forms R459L.
Identifiers: ClinVar variation 3251601 (VCV003251601.4), dbSNP rs762550487.
Genomic context (GRCh38, chr12:57,763,648, plus strand): 5'-GGTATAAAATCTAGAGCACTCACCTGGGCCAAAGCCATTTGCAATTCAAGCTCTGCCAGG[C>A]GTCTCCCCATACAGCTGCGCTTGCCAAAGCCAAAGGGAAGAGATGCAAATGGGTGGGGGG-3'
Protein context (NP_000776.1, residues 449-469): GFGKRSCMGR[Arg459Leu]LAELELQMAL